The following is an entry in ClinVar:

NM_020738.4(KIDINS220):c.2229+8C>A

Gene: KIDINS220 (kinase D interacting substrate 220; minus strand). Cytogenetic location: 2p25.1.
Variant type: single nucleotide variant.
Coding change: c.2229+8C>A on transcript NM_020738.4 (MANE Select); 8 bases into the intron after coding-DNA position 2229, C replaced by A.
Molecular consequence: intron variant.
Genome position (GRCh38, 1-based): chr2:8,785,733, G>T on the plus strand (C>A on the coding strand, the complement: KIDINS220 is on the minus strand). VCF-style: chr2-8785733-G-T. GRCh37 (hg19) VCF-style: chr2-8925863-G-T.
Other names: c.2229+8C>A (NM_001348741.2, NM_001348738.2, NM_001348742.2 and 3 more transcripts); c.2232+8C>A (NM_001348739.2, NM_001348740.2, NM_001348734.2 and 3 more transcripts); c.2103+8C>A (NM_001348736.2).
Identifiers: ClinVar variation 3344445 (VCV003344445.1).

ClinVar aggregate classification (germline): Likely benign (0 of 4 stars; one submission).

Conditions:
KIDINS220-related disorder. Also called: KIDINS220-related condition.

Submission:

PreventionGenetics, part of Exact Sciences
Classification: Likely benign for KIDINS220-related condition. Last evaluated: 2024-08-27. Review status: no assertion criteria provided. Collection method: clinical testing. Allele origin: germline.
Comment: This variant is classified as likely benign based on ACMG/AMP sequence variant interpretation guidelines (Richards et al. 2015 PMID: 25741868, with internal and published modifications).